The following is an entry in ClinVar:

ClinVar aggregate classification (germline): Uncertain significance (1 of 4 stars; one submission).

Conditions:
Heterotaxy, visceral, 8, autosomal (HTX8). Identifiers: MONDO:0014967, OMIM 617205, MedGen C4310668.

gnomAD v4.1: 7 of 1,603,960 alleles (0.00044%); highest among the groups gnomAD compares: East Asian, 0.016%; no homozygotes.

Submission:

Juno Genomics, Hangzhou Juno Genomics, Inc
Classification: Uncertain significance for Heterotaxy, visceral, 8, autosomal. Review status: criteria provided, single submitter. Criteria: ACMG Guidelines, 2015. Collection method: clinical testing. Allele origin: germline.
Comment: Absent from controls (or at extremely low frequency if recessive) in Genome Aggregation Database.;Multiple lines of computational evidence support a deleterious effect on the gene or gene product.

NM_138295.5(PKD1L1):c.5769+3A>G

Gene: PKD1L1 (polycystin 1 like 1, transient receptor potential channel interacting; minus strand). Cytogenetic location: 7p12.3.
Variant type: single nucleotide variant.
Coding change: c.5769+3A>G on transcript NM_138295.5 (MANE Select); 3 bases into the intron after coding-DNA position 5769, A replaced by G.
Molecular consequence: intron variant.
Genome position (GRCh38, 1-based): chr7:47,839,443, T>C on the plus strand (A>G on the coding strand, the complement: PKD1L1 is on the minus strand). VCF-style: chr7-47839443-T-C. GRCh37 (hg19) VCF-style: chr7-47879041-T-C.
Identifiers: ClinVar variation 5007217 (VCV005007217.2).